The following is an entry in ClinVar:

NM_001165963.4(SCN1A):c.2748C>A (p.Tyr916Ter)

Gene: SCN1A (sodium voltage-gated channel alpha subunit 1; minus strand). Cytogenetic location: 2q24.3.
Variant type: single nucleotide variant.
Coding change: c.2748C>A on transcript NM_001165963.4 (MANE Select); coding-DNA position 2748, C replaced by A.
Protein change: p.Tyr916Ter; replaces tyrosine 916 with a stop codon.
Molecular consequence: nonsense. On other transcripts: non-coding transcript variant (1).
Genome position (GRCh38, 1-based): chr2:166,037,974, G>T on the plus strand (C>A on the coding strand, the complement: SCN1A is on the minus strand). VCF-style: chr2-166037974-G-T. GRCh37 (hg19) VCF-style: chr2-166894484-G-T.
Other names: c.2664C>A, p.Tyr888Ter (NM_001165964.3, NM_001353957.2, NM_001353958.2); c.2748C>A, p.Tyr916Ter (NM_001202435.3, NM_001353948.2); c.2715C>A, p.Tyr905Ter (NM_001353949.2, NM_001353950.2, NM_001353951.2 and 2 more transcripts); c.2712C>A, p.Tyr904Ter (NM_001353954.2, NM_001353955.2); c.2661C>A, p.Tyr887Ter (NM_001353960.2); c.306C>A, p.Tyr102Ter (NM_001353961.2); short protein forms Y102*, Y887*, Y888*, Y904*, Y905*, Y916*.
Identifiers: ClinVar variation 3764807 (VCV003764807.1).

ClinVar aggregate classification (germline): Pathogenic (1 of 4 stars; one submission).

Conditions:
Generalized epilepsy with febrile seizures plus, type 2 (GEFSP2). Also called: GEFS+, TYPE 2. Identifiers: Orphanet 36387, MedGen C1858673, MONDO:0011461, OMIM 604403.

Submission:

Department of Human Genetics, Hannover Medical School
Classification: Pathogenic for Generalized epilepsy with febrile seizures plus, type 2. Last evaluated: 2025-03-04. Review status: criteria provided, single submitter. Criteria: ACMG Guidelines, 2015. Collection method: clinical testing. Allele origin: germline. Affected: yes.
Comment: ClinGen SCN1A: PVS1, PS4_Moderate, PM2_Supporting, PM6